The following is an entry in ClinVar:

ClinVar aggregate classification (germline): Uncertain significance (1 of 4 stars; one submission).

Submission:

GeneDx
Classification: Uncertain significance. Last evaluated: 2026-02-19. Review status: criteria provided, single submitter. Criteria: GeneDx Variant Classification Process June 2021. Collection method: clinical testing. Allele origin: germline.
Comment: Not observed at significant frequency in large population cohorts (gnomAD); In silico analysis supports a deleterious effect on splicing; In silico analysis suggests that this missense variant does not alter protein structure/function; Has not been previously published as pathogenic or benign to our knowledge

NM_003750.4(EIF3A):c.1555A>G (p.Ile519Val)

Gene: EIF3A (eukaryotic translation initiation factor 3 subunit A; minus strand). Cytogenetic location: 10q26.11.
Variant type: single nucleotide variant.
Coding change: c.1555A>G on transcript NM_003750.4 (MANE Select); coding-DNA position 1555, A replaced by G.
Protein change: p.Ile519Val; replaces isoleucine 519 with valine.
Molecular consequence: missense variant.
Genome position (GRCh38, 1-based): chr10:119,059,286, T>C on the plus strand (A>G on the coding strand, the complement: EIF3A is on the minus strand). VCF-style: chr10-119059286-T-C. GRCh37 (hg19) VCF-style: chr10-120818798-T-C.
Other names: short protein forms I519V.
Identifiers: ClinVar variation 5008744 (VCV005008744.1).